The following is an entry in ClinVar:

NM_173615.5(VWA3A):c.3414A>G (p.Thr1138=)

Gene: VWA3A (von Willebrand factor A domain containing 3A). Cytogenetic location: 16p12.2.
Variant type: single nucleotide variant.
Coding change: c.3414A>G on transcript NM_173615.5 (MANE Select); coding-DNA position 3414, A replaced by G.
Protein change: p.Thr1138=; no amino-acid change (threonine 1138 retained).
Molecular consequence: synonymous variant.
Genome position (GRCh38, 1-based): chr16:22,155,575, A>G. VCF-style: chr16-22155575-A-G. GRCh37 (hg19) VCF-style: chr16-22166896-A-G.
Identifiers: ClinVar variation 2646309 (VCV002646309.24), dbSNP rs182412347, ClinGen allele CA7955379.

ClinVar aggregate classification (germline): Likely benign (1 of 4 stars; one submission).

Allele frequency attached by ClinVar (database versions not stated): gnomAD exomes 0.00001; ExAC 0.00002; TOPMed 0.00002; gnomAD 0.00005; 1000 Genomes Project 30x 0.00078; 1000 Genomes Project 0.00080.
gnomAD v4.1: 28 of 1,613,854 alleles (0.0017%); highest among the groups gnomAD compares: Admixed American, 0.038%; no homozygotes.

Submission:

CeGaT Center for Human Genetics Tuebingen
Classification: Likely benign. Last evaluated: 2023-03-01. Review status: criteria provided, single submitter. Criteria: CeGaT Center For Human Genetics Tuebingen Variant Classification Criteria Version 2. Collection method: clinical testing. Allele origin: germline. Affected: yes. Observed: 1 variant allele.
Comment: VWA3A: BP4, BP7